The following is an entry in ClinVar:

NM_001297.5(CNGB1):c.3653C>A (p.Pro1218His)

Gene: CNGB1 (cyclic nucleotide gated channel subunit beta 1; minus strand). Cytogenetic location: 16q21.
Variant type: single nucleotide variant.
Coding change: c.3653C>A on transcript NM_001297.5 (MANE Select); coding-DNA position 3653, C replaced by A.
Protein change: p.Pro1218His; replaces proline 1218 with histidine.
Molecular consequence: missense variant.
Genome position (GRCh38, 1-based): chr16:57,884,267, G>T on the plus strand (C>A on the coding strand, the complement: CNGB1 is on the minus strand). VCF-style: chr16-57884267-G-T. GRCh37 (hg19) VCF-style: chr16-57918171-G-T.
Other names: c.3635C>A, p.Pro1212His (NM_001286130.2); short protein forms P1218H, P1212H.
Identifiers: ClinVar variation 1908386 (VCV001908386.3), dbSNP rs1427637362, ClinGen allele CA396059406.

ClinVar aggregate classification (germline): Uncertain significance (1 of 4 stars; one submission).

Allele frequency attached by ClinVar (database versions not stated): gnomAD 0.00003; TOPMed 0.00003.

Submission:

Labcorp Genetics (formerly Invitae), Labcorp
Classification: Uncertain significance. Last evaluated: 2022-08-31. Review status: criteria provided, single submitter. Criteria: Invitae Variant Classification Sherloc (09022015). Collection method: clinical testing. Allele origin: germline.
Comment: This sequence change replaces proline, which is neutral and non-polar, with histidine, which is basic and polar, at codon 1218 of the CNGB1 protein (p.Pro1218His). In summary, the available evidence is currently insufficient to determine the role of this variant in disease. Therefore, it has been classified as a Variant of Uncertain Significance. Advanced modeling of protein sequence and biophysical properties (such as structural, functional, and spatial information, amino acid conservation, physicochemical variation, residue mobility, and thermodynamic stability) performed at Invitae indicates that this missense variant is not expected to disrupt CNGB1 protein function. This variant has not been reported in the literature in individuals affected with CNGB1-related conditions. This variant is present in population databases (no rsID available, gnomAD 0.02%).